The following is an entry in ClinVar:

NM_000059.4(BRCA2):c.3939del (p.Asn1312_Tyr1313insTer)

Gene: BRCA2 (BRCA2 DNA repair associated; plus strand). Cytogenetic location: 13q13.1.
Variant type: Deletion.
Coding change: c.3939del on transcript NM_000059.4 (MANE Select); coding-DNA position 3939, one base deleted (C; older notation c.3939delC).
Protein change: p.Asn1312_Tyr1313insTer.
Molecular consequence: nonsense.
Genome position (GRCh38, 1-based): chr13:32,338,294, C deleted. VCF-style (leftmost placement, unchanged base first): chr13-32338293-AC-A. GRCh37 (hg19) VCF-style: chr13-32912430-AC-A.
Other names: 4167delC; c.3939delC (NM_000059.3).
Identifiers: ClinVar variation 51570 (VCV000051570.5), dbSNP rs276174838, ClinGen allele CA019249.

ClinVar aggregate classification (germline): Pathogenic. Review status: reviewed by expert panel (3 of 4 stars). 3 submissions from 3 submitters: Pathogenic (1). 2 of the submissions do not count toward it. Last evaluated 2016-09-08.

Conditions:
Breast-ovarian cancer, familial, susceptibility to, 2 (BROVCA2). Also called: BRCA2 Hereditary Breast and Ovarian Cancer. Identifiers: Orphanet 145, MedGen C2675520, MONDO:0012933, OMIM 612555. Disease mechanism: loss of function.
Breast and/or ovarian cancer. Identifiers: MedGen CN221562.

Submissions (3):

Evidence-based Network for the Interpretation of Germline Mutant Alleles (ENIGMA)
Classification: Pathogenic for Breast-ovarian cancer, familial, susceptibility to, 2. Last evaluated: 2016-09-08. Review status: reviewed by expert panel. Criteria: ENIGMA BRCA1/2 Classification Criteria (2015). Collection method: curation. Allele origin: germline.
Comment: Variant allele predicted to encode a truncated non-functional protein.

CZECANCA consortium
Classification: Pathogenic for Breast and/or ovarian cancer. Last evaluated: 2019-06-11. Review status: no assertion criteria provided. Collection method: clinical testing. Allele origin: germline. Affected: yes. Observed: 1 variant allele. Not counted in ClinVar's aggregate classification.

Breast Cancer Information Core (BIC) (BRCA2)
Classification: Pathogenic for Breast-ovarian cancer, familial 2. Last evaluated: 2007-02-23. Review status: no assertion criteria provided. Collection method: clinical testing. Allele origin: germline. Affected: yes. Observed: 1 variant allele. Not counted in ClinVar's aggregate classification.

Literature cited by the submitters: PubMed 32295079 (cited by CZECANCA consortium).